The following is an entry in ClinVar:

ClinVar aggregate classification (germline): Uncertain significance. Review status: criteria provided, multiple submitters, no conflicts (2 of 4 stars). 2 submissions from 2 submitters: Uncertain significance (2). Last evaluated 2025-12-08.

Conditions:
Inborn genetic diseases. Identifiers: MedGen C0950123, MeSH D030342.

gnomAD v4.1: 6 of 1,551,492 alleles (0.00039%); highest among the groups gnomAD compares: African/African-American, 0.0027%; no homozygotes.

Submissions (2):

Labcorp Genetics (formerly Invitae), Labcorp
Classification: Uncertain significance. Last evaluated: 2025-12-08. Review status: criteria provided, single submitter. Criteria: Invitae Variant Classification Sherloc (09022015). Collection method: clinical testing. Allele origin: germline.
Comment: This sequence change replaces arginine, which is basic and polar, with leucine, which is neutral and non-polar, at codon 740 of the ZSWIM6 protein (p.Arg740Leu). This variant is not present in population databases (gnomAD no frequency). This variant has not been reported in the literature in individuals affected with ZSWIM6-related conditions. ClinVar contains an entry for this variant (Variation ID: 1920667). Invitae Evidence Modeling of protein sequence and biophysical properties (such as structural, functional, and spatial information, amino acid conservation, physicochemical variation, residue mobility, and thermodynamic stability) indicates that this missense variant is not expected to disrupt ZSWIM6 protein function with a negative predictive value of 80%. In summary, the available evidence is currently insufficient to determine the role of this variant in disease. Therefore, it has been classified as a Variant of Uncertain Significance.

Ambry Genetics
Classification: Uncertain significance for Inborn genetic diseases. Last evaluated: 2025-10-30. Review status: criteria provided, single submitter. Criteria: Ambry Variant Classification Scheme 2023. Collection method: clinical testing. Allele origin: germline.

NM_020928.2(ZSWIM6):c.2219G>T (p.Arg740Leu)

Gene: ZSWIM6 (zinc finger SWIM-type containing 6; plus strand). Cytogenetic location: 5q12.1.
Variant type: single nucleotide variant.
Coding change: c.2219G>T on transcript NM_020928.2 (MANE Select); coding-DNA position 2219, G replaced by T.
Protein change: p.Arg740Leu; replaces arginine 740 with leucine.
Molecular consequence: missense variant.
Genome position (GRCh38, 1-based): chr5:61,531,699, G>T. VCF-style: chr5-61531699-G-T. GRCh37 (hg19) VCF-style: chr5-60827526-G-T.
Other names: c.2219G>T (NM_020928.1); short protein forms R740L.
Identifiers: ClinVar variation 1920667 (VCV001920667.6), dbSNP rs148746224, ClinGen allele CA359944852.